The following is an entry in ClinVar:

NM_006904.7(PRKDC):c.998T>C (p.Met333Thr)

Gene: PRKDC (protein kinase, DNA-activated, catalytic subunit; minus strand). Cytogenetic location: 8q11.21.
Variant type: single nucleotide variant.
Coding change: c.998T>C on transcript NM_006904.7 (MANE Select); coding-DNA position 998, T replaced by C.
Protein change: p.Met333Thr; replaces methionine 333 with threonine.
Molecular consequence: missense variant.
Genome position (GRCh38, 1-based): chr8:47,939,666, A>G on the plus strand (T>C on the coding strand, the complement: PRKDC is on the minus strand). VCF-style: chr8-47939666-A-G. GRCh37 (hg19) VCF-style: chr8-48852226-A-G.
Other names: c.998T>C, p.Met333Thr (NM_001081640.2); short protein forms M333T.
Identifiers: ClinVar variation 3225950 (VCV003225950.1), dbSNP rs1220157662, ClinGen allele CA371166809.

ClinVar aggregate classification (germline): Uncertain significance (1 of 4 stars; one submission).

Allele frequency attached by ClinVar (database versions not stated): gnomAD exomes below 0.00001; TOPMed below 0.00001; gnomAD 0.00001.
gnomAD v4.1: 3 of 1,604,892 alleles (0.00019%); highest among the groups gnomAD compares: African/African-American, 0.0027%; no homozygotes.

Submission:

Ambry Genetics
Classification: Uncertain significance. Last evaluated: 2023-09-27. Review status: criteria provided, single submitter. Criteria: Ambry Variant Classification Scheme 2023. Collection method: clinical testing. Allele origin: germline.
Comment: The p.M333T variant (also known as c.998T>C), located in coding exon 11 of the PRKDC gene, results from a T to C substitution at nucleotide position 998. The methionine at codon 333 is replaced by threonine, an amino acid with similar properties. This amino acid position is conserved. In addition, this alteration is predicted to be tolerated by in silico analysis. Since supporting evidence is limited at this time, the clinical significance of this alteration remains unclear.